The following is an entry in ClinVar:

NM_182758.4(WDR72):c.536C>G (p.Ser179Ter)

Gene: WDR72 (WD repeat domain 72; minus strand). Cytogenetic location: 15q21.3.
Variant type: single nucleotide variant.
Coding change: c.536C>G on transcript NM_182758.4 (MANE Select); coding-DNA position 536, C replaced by G.
Protein change: p.Ser179Ter; replaces serine 179 with a stop codon.
Molecular consequence: nonsense. On other transcripts: non-coding transcript variant (1).
Genome position (GRCh38, 1-based): chr15:53,714,489, G>C on the plus strand (C>G on the coding strand, the complement: WDR72 is on the minus strand). VCF-style: chr15-53714489-G-C. GRCh37 (hg19) VCF-style: chr15-54006686-G-C.
Other names: short protein forms S179*.
Identifiers: ClinVar variation 5019620 (VCV005019620.2).
Genomic context (GRCh38, chr15:53,714,489, plus strand): 5'-CCAACCTGAATGCTGTTGATAGATGAGGAAAGATCCCATACTTTGAGCTCACCAGCTACT[G>C]ATACCACCAAGAGAGAATCTTCTGTGAAAATAATAAAAGTCACATATAAGCTTACCATGG-3'

ClinVar aggregate classification (germline): Likely pathogenic (1 of 4 stars; one submission).

Conditions:
Amelogenesis imperfecta hypomaturation type 2A3. Also called: Amelogenesis imperfecta, type IIA3. Identifiers: Orphanet 88661, MedGen C2750771, MONDO:0013181, OMIM 613211. Disease mechanism: loss of function.

gnomAD v4.1: 10 of 1,613,652 alleles (0.00062%); highest among the groups gnomAD compares: East Asian, 0.02%; no homozygotes.

Submission:

Juno Genomics, Hangzhou Juno Genomics, Inc
Classification: Likely pathogenic for Amelogenesis imperfecta hypomaturation type 2A3. Review status: criteria provided, single submitter. Criteria: ACMG Guidelines, 2015. Collection method: clinical testing. Allele origin: germline.
Comment: Absent from controls (or at extremely low frequency if recessive) in Genome Aggregation Database.;Null variant in a gene where loss of function (LOF) is a known mechanism of disease.